The following is an entry in ClinVar:

NM_017433.5(MYO3A):c.1563-1G>A

Gene: MYO3A (myosin IIIA; plus strand). Cytogenetic location: 10p12.1.
Variant type: single nucleotide variant.
Coding change: c.1563-1G>A on transcript NM_017433.5 (MANE Select); the canonical splice acceptor site of the intron before coding-DNA position 1563, G replaced by A.
Molecular consequence: splice acceptor variant.
Genome position (GRCh38, 1-based): chr10:26,096,380, G>A. VCF-style: chr10-26096380-G-A. GRCh37 (hg19) VCF-style: chr10-26385309-G-A.
Identifiers: ClinVar variation 1897147 (VCV001897147.5), dbSNP rs1278657493, ClinGen allele CA376336553.

ClinVar aggregate classification (germline): Likely pathogenic (1 of 4 stars; one submission).

Submission:

Labcorp Genetics (formerly Invitae), Labcorp
Classification: Likely pathogenic. Last evaluated: 2022-03-24. Review status: criteria provided, single submitter. Criteria: Invitae Variant Classification Sherloc (09022015). Collection method: clinical testing. Allele origin: germline.
Comment: This sequence change affects an acceptor splice site in intron 15 of the MYO3A gene. It is expected to disrupt RNA splicing. Variants that disrupt the donor or acceptor splice site typically lead to a loss of protein function (PMID: 16199547), and loss-of-function variants in MYO3A are known to be pathogenic (PMID: 12032315, 23990876). In summary, the currently available evidence indicates that the variant is pathogenic, but additional data are needed to prove that conclusively. Therefore, this variant has been classified as Likely Pathogenic. Algorithms developed to predict the effect of sequence changes on RNA splicing suggest that this variant may disrupt the consensus splice site. This variant has not been reported in the literature in individuals affected with MYO3A-related conditions. This variant is not present in population databases (gnomAD no frequency).

Literature cited by the submitters: PubMed 16199547; PubMed 12032315; PubMed 23990876.